The following is an entry in ClinVar:

NM_004713.6(NEMF):c.1752C>T (p.Pro584=)

Gene: NEMF (nuclear export mediator factor; minus strand). Cytogenetic location: 14q21.3.
Variant type: single nucleotide variant.
Coding change: c.1752C>T on transcript NM_004713.6 (MANE Select); coding-DNA position 1752, C replaced by T.
Protein change: p.Pro584=; no amino-acid change (proline 584 retained).
Molecular consequence: synonymous variant.
Genome position (GRCh38, 1-based): chr14:49,806,126, G>A on the plus strand (C>T on the coding strand, the complement: NEMF is on the minus strand). VCF-style: chr14-49806126-G-A. GRCh37 (hg19) VCF-style: chr14-50272844-G-A.
Other names: c.1689C>T, p.Pro563= (NM_001301732.3).
Identifiers: ClinVar variation 3040295 (VCV003040295.22), dbSNP rs116570449, ClinGen allele CA7175156.

ClinVar aggregate classification (germline): Likely benign. Review status: criteria provided, multiple submitters, no conflicts (2 of 4 stars). 3 submissions from 3 submitters: Likely benign (2). 1 of the submissions does not count toward it. Last evaluated 2024-10-03.

Conditions:
NEMF-related disorder. Also called: NEMF-related condition.

Allele frequency attached by ClinVar (database versions not stated): gnomAD 0.00128; TOPMed 0.00151; 1000 Genomes Project 0.00180; ESP Exome Variant Server 0.00223; 1000 Genomes Project 30x 0.00234; gnomAD exomes 0.00014; ExAC 0.00048.
gnomAD v4.1: 406 of 1,609,166 alleles (0.025%); highest among the groups gnomAD compares: African/African-American, 0.5%; 4 homozygotes.

Submissions (3):

Blueprint Genetics
Classification: Likely benign. Last evaluated: 2024-10-03. Review status: criteria provided, single submitter. Criteria: ACMG Guidelines, 2015. Collection method: clinical testing. Allele origin: germline.

CeGaT Center for Human Genetics Tuebingen
Classification: Likely benign. Last evaluated: 2024-06-01. Review status: criteria provided, single submitter. Criteria: CeGaT Center For Human Genetics Tuebingen Variant Classification Criteria Version 2. Collection method: clinical testing. Allele origin: germline. Affected: yes. Observed: 2 variant alleles.
Comment: NEMF: BP4, BP7

PreventionGenetics, part of Exact Sciences
Classification: Likely benign for NEMF-related condition. Last evaluated: 2019-10-28. Review status: no assertion criteria provided. Collection method: clinical testing. Allele origin: germline. Not counted in ClinVar's aggregate classification.
Comment: This variant is classified as likely benign based on ACMG/AMP sequence variant interpretation guidelines (Richards et al. 2015 PMID: 25741868, with internal and published modifications).